The following is an entry in ClinVar:

NM_001375524.1(TRRAP):c.10906G>A (p.Val3636Met)

Gene: TRRAP (transformation/transcription domain associated protein; plus strand). Cytogenetic location: 7q22.1.
Variant type: single nucleotide variant.
Coding change: c.10906G>A on transcript NM_001375524.1 (MANE Select); coding-DNA position 10906, G replaced by A.
Protein change: p.Val3636Met; replaces valine 3636 with methionine.
Molecular consequence: missense variant.
Genome position (GRCh38, 1-based): chr7:99,008,529, G>A. VCF-style: chr7-99008529-G-A. GRCh37 (hg19) VCF-style: chr7-98606152-G-A.
Other names: c.10864G>A, p.Val3622Met (NM_001244580.2); c.10777G>A, p.Val3593Met (NM_003496.4); short protein forms V3593M, V3622M, V3636M.
Identifiers: ClinVar variation 2101868 (VCV002101868.4), dbSNP rs2485072213, ClinGen allele CA368340444.

ClinVar aggregate classification (germline): Uncertain significance (1 of 4 stars; one submission).

Submission:

Labcorp Genetics (formerly Invitae), Labcorp
Classification: Uncertain significance. Last evaluated: 2024-10-15. Review status: criteria provided, single submitter. Criteria: Invitae Variant Classification Sherloc (09022015). Collection method: clinical testing. Allele origin: germline.
Comment: This sequence change replaces valine, which is neutral and non-polar, with methionine, which is neutral and non-polar, at codon 3593 of the TRRAP protein (p.Val3593Met). This variant is not present in population databases (gnomAD no frequency). This variant has not been reported in the literature in individuals affected with TRRAP-related conditions. ClinVar contains an entry for this variant (Variation ID: 2101868). Invitae Evidence Modeling of protein sequence and biophysical properties (such as structural, functional, and spatial information, amino acid conservation, physicochemical variation, residue mobility, and thermodynamic stability) indicates that this missense variant is not expected to disrupt TRRAP protein function with a negative predictive value of 80%. In summary, the available evidence is currently insufficient to determine the role of this variant in disease. Therefore, it has been classified as a Variant of Uncertain Significance.